The following is an entry in ClinVar:

ClinVar aggregate classification (germline): Uncertain significance (1 of 4 stars; one submission).

Conditions:
Chuvash polycythemia. Also called: POLYCYTHEMIA, VHL-DEPENDENT. Identifiers: Orphanet 238557, MedGen C1837915, MONDO:0009892, OMIM 263400.
Von Hippel-Lindau syndrome (VHLS). Also called: Von Hippel-Lindau; von Hippel–Lindau syndrome; VHL syndrome. Identifiers: Orphanet 892, MedGen C0019562, MONDO:0008667, OMIM 193300. Disease mechanism: loss of function.

Submission:

Labcorp Genetics (formerly Invitae), Labcorp
Classification: Uncertain significance for Von Hippel-Lindau syndrome; Chuvash polycythemia. Last evaluated: 2025-03-19. Review status: criteria provided, single submitter. Criteria: Invitae Variant Classification Sherloc (09022015). Collection method: clinical testing. Allele origin: germline.
Comment: This sequence change creates a premature translational stop signal (p.Glu16Glyfs*11) in the VHL gene. It is unclear whether it will result in an absent or disrupted protein product because an in-frame methionine located at codon 54 has the potential to rescue this variant. This variant is not present in population databases (gnomAD no frequency). This variant has not been reported in the literature in individuals affected with VHL-related conditions. Experimental studies and prediction algorithms are not available or were not evaluated, and the functional significance of this variant is currently unknown. Several studies have shown that the VHL protein created from a downstream methionine located at codon 54 is biologically active, and exhibits properties similar to the full-length, wild-type protein (PMID: 9671762, 9751722). In summary, the available evidence is currently insufficient to determine the role of this variant in disease. Therefore, it has been classified as a Variant of Uncertain Significance.

Literature cited by the submitters: PubMed 9671762; PubMed 9751722.

NM_000551.4(VHL):c.44dup (p.Glu16fs)

Gene: VHL (von Hippel-Lindau tumor suppressor; plus strand). Cytogenetic location: 3p25.3.
Variant type: Duplication.
Coding change: c.44dup on transcript NM_000551.4 (MANE Select); coding-DNA position 44, one base duplicated (C; older notation c.44dupC).
Protein change: p.Glu16fs; shifts the reading frame from glutamic acid 16.
Molecular consequence: frameshift variant. On other transcripts: non-coding transcript variant (1).
Genome position (GRCh38, 1-based): chr3:10,141,891, C duplicated. VCF-style (leftmost placement, unchanged base first): chr3-10141890-G-GC. GRCh37 (hg19) VCF-style: chr3-10183574-G-GC.
Other names: c.44dup, p.Glu16fs (NM_001354723.2, NM_198156.3); short protein forms E16fs.
Identifiers: ClinVar variation 4784472 (VCV004784472.1).